The following is an entry in ClinVar:

NM_177972.3(TUB):c.254-7T>C

Genes: RIC3 (RIC3 acetylcholine receptor chaperone; minus strand), TUB (TUB bipartite transcription factor; plus strand). Cytogenetic location: 11p15.4.
Variant type: single nucleotide variant.
Coding change: c.254-7T>C on transcript NM_177972.3 (MANE Select); 7 bases into the intron before coding-DNA position 254, T replaced by C.
Molecular consequence: intron variant. On other transcripts: non-coding transcript variant (1).
Genome position (GRCh38, 1-based): chr11:8,094,039, T>C. VCF-style: chr11-8094039-T-C. GRCh37 (hg19) VCF-style: chr11-8115586-T-C.
Other names: c.419-7T>C (NM_003320.5).
Identifiers: ClinVar variation 3353944 (VCV003353944.1).

ClinVar aggregate classification (germline): Likely benign (0 of 4 stars; one submission).

Conditions:
TUB-related disorder. Also called: TUB-related condition.

gnomAD v4.1: 2 of 1,614,148 alleles (0.00012%); highest among the groups gnomAD compares: Admixed American, 0.0033%; no homozygotes.

Submission:

PreventionGenetics, part of Exact Sciences
Classification: Likely benign for TUB-related condition. Last evaluated: 2022-10-18. Review status: no assertion criteria provided. Collection method: clinical testing. Allele origin: germline.
Comment: This variant is classified as likely benign based on ACMG/AMP sequence variant interpretation guidelines (Richards et al. 2015 PMID: 25741868, with internal and published modifications).